The following is an entry in ClinVar:

ClinVar aggregate classification (germline): Uncertain significance (1 of 4 stars; one submission).

Submission:

Ambry Genetics
Classification: Uncertain significance. Last evaluated: 2023-02-16. Review status: criteria provided, single submitter. Criteria: Ambry Variant Classification Scheme 2023. Collection method: clinical testing. Allele origin: germline.
Comment: The p.S1650C variant (also known as c.4949C>G), located in coding exon 16 of the POLQ gene, results from a C to G substitution at nucleotide position 4949. The serine at codon 1650 is replaced by cysteine, an amino acid with dissimilar properties. This amino acid position is conserved. In addition, this alteration is predicted to be tolerated by in silico analysis. Since supporting evidence is limited at this time, the clinical significance of this alteration remains unclear.

NM_199420.4(POLQ):c.4949C>G (p.Ser1650Cys)

Gene: POLQ (DNA polymerase theta; minus strand). Cytogenetic location: 3q13.33.
Variant type: single nucleotide variant.
Coding change: c.4949C>G on transcript NM_199420.4 (MANE Select); coding-DNA position 4949, C replaced by G.
Protein change: p.Ser1650Cys; replaces serine 1650 with cysteine.
Molecular consequence: missense variant.
Genome position (GRCh38, 1-based): chr3:121,487,982, G>C on the plus strand (C>G on the coding strand, the complement: POLQ is on the minus strand). VCF-style: chr3-121487982-G-C. GRCh37 (hg19) VCF-style: chr3-121206829-G-C.
Other names: short protein forms S1650C.
Identifiers: ClinVar variation 2448833 (VCV002448833.2), dbSNP rs2546785327, ClinGen allele CA354093024.